The following is an entry in ClinVar:

ClinVar aggregate classification (germline): Likely benign. Review status: criteria provided, multiple submitters, no conflicts (2 of 4 stars). 2 submissions from 2 submitters: Likely benign (2). Last evaluated 2025-10-17.

gnomAD v4.1: 36 of 1,613,822 alleles (0.0022%); highest among the groups gnomAD compares: Non-Finnish European, 0.0019%; no homozygotes.

Submissions (2):

Labcorp Genetics (formerly Invitae), Labcorp
Classification: Likely benign. Last evaluated: 2025-10-17. Review status: criteria provided, single submitter. Criteria: Invitae Variant Classification Sherloc (09022015). Collection method: clinical testing. Allele origin: germline.

CeGaT Center for Human Genetics Tuebingen
Classification: Likely benign. Last evaluated: 2024-10-01. Review status: criteria provided, single submitter. Criteria: CeGaT Center For Human Genetics Tuebingen Variant Classification Criteria Version 2. Collection method: clinical testing. Allele origin: germline. Affected: yes. Observed: 1 variant allele.
Comment: SON: BP4, BP7

NM_138927.4(SON):c.1935T>C (p.Pro645=)

Gene: SON (SON DNA and RNA binding protein; plus strand). Cytogenetic location: 21q22.11.
Variant type: single nucleotide variant.
Coding change: c.1935T>C on transcript NM_138927.4 (MANE Select); coding-DNA position 1935, T replaced by C.
Protein change: p.Pro645=; no amino-acid change (proline 645 retained).
Molecular consequence: synonymous variant. On other transcripts: non-coding transcript variant (1), intron variant (1).
Genome position (GRCh38, 1-based): chr21:33,551,166, T>C. VCF-style: chr21-33551166-T-C. GRCh37 (hg19) VCF-style: chr21-34923472-T-C.
Other names: c.1935T>C, p.Pro645= (NM_001291411.2, NM_032195.3); c.244+4787T>C (NM_001291412.3).
Identifiers: ClinVar variation 1536377 (VCV001536377.22), dbSNP rs764777136, ClinGen allele CA10008996.